The following is an entry in ClinVar:

NM_017654.4(SAMD9):c.718A>C (p.Lys240Gln)

Gene: SAMD9 (sterile alpha motif domain containing 9; minus strand). Cytogenetic location: 7q21.2.
Variant type: single nucleotide variant.
Coding change: c.718A>C on transcript NM_017654.4 (MANE Select); coding-DNA position 718, A replaced by C.
Protein change: p.Lys240Gln; replaces lysine 240 with glutamine.
Molecular consequence: missense variant.
Genome position (GRCh38, 1-based): chr7:93,105,380, T>G on the plus strand (A>C on the coding strand, the complement: SAMD9 is on the minus strand). VCF-style: chr7-93105380-T-G. GRCh37 (hg19) VCF-style: chr7-92734693-T-G.
Other names: c.718A>C, p.Lys240Gln (NM_001193307.2); c.718A>C (NM_017654.3); short protein forms K240Q.
Identifiers: ClinVar variation 1912650 (VCV001912650.7), dbSNP rs1276231898, ClinGen allele CA368204080.

ClinVar aggregate classification (germline): Uncertain significance. Review status: criteria provided, multiple submitters, no conflicts (2 of 4 stars). 3 submissions from 3 submitters: Uncertain significance (3). Last evaluated 2025-04-18.

Conditions:
Inborn genetic diseases. Identifiers: MedGen C0950123, MeSH D030342.

Allele frequency attached by ClinVar (database versions not stated): TOPMed 0.00001.
gnomAD v4.1: 5 of 1,614,072 alleles (0.00031%); highest among the groups gnomAD compares: Non-Finnish European, 0.00042%; no homozygotes.

Submissions (3):

Ambry Genetics
Classification: Uncertain significance for Inborn genetic diseases. Last evaluated: 2025-04-18. Review status: criteria provided, single submitter. Criteria: Ambry Variant Classification Scheme 2023. Collection method: clinical testing. Allele origin: germline.
Comment: The p.K240Q variant (also known as c.718A>C), located in coding exon 1 of the SAMD9 gene, results from an A to C substitution at nucleotide position 718. The lysine at codon 240 is replaced by glutamine, an amino acid with similar properties. This amino acid position is conserved. In addition, this alteration is predicted to be tolerated by in silico analysis. Based on the available evidence, the clinical significance of this variant remains unclear.

GeneDx
Classification: Uncertain significance. Last evaluated: 2023-05-30. Review status: criteria provided, single submitter. Criteria: GeneDx Variant Classification Process June 2021. Collection method: clinical testing. Allele origin: germline. Affected: yes.
Comment: Not observed at significant frequency in large population cohorts (gnomAD); In silico analysis supports that this missense variant does not alter protein structure/function; Has not been previously published as pathogenic or benign to our knowledge; This variant is associated with the following publications: (PMID: 28545555)

Labcorp Genetics (formerly Invitae), Labcorp
Classification: Uncertain significance. Last evaluated: 2022-08-08. Review status: criteria provided, single submitter. Criteria: Invitae Variant Classification Sherloc (09022015). Collection method: clinical testing. Allele origin: germline.
Comment: Algorithms developed to predict the effect of missense changes on protein structure and function output the following: SIFT: "Tolerated"; PolyPhen-2: "Benign"; Align-GVGD: "Class C0". The glutamine amino acid residue is found in multiple mammalian species, which suggests that this missense change does not adversely affect protein function. In summary, the available evidence is currently insufficient to determine the role of this variant in disease. Therefore, it has been classified as a Variant of Uncertain Significance. This variant has not been reported in the literature in individuals affected with SAMD9-related conditions. This variant is not present in population databases (gnomAD no frequency). This sequence change replaces lysine, which is basic and polar, with glutamine, which is neutral and polar, at codon 240 of the SAMD9 protein (p.Lys240Gln).